The following is an entry in ClinVar:

ClinVar aggregate classification (germline): Uncertain significance (1 of 4 stars; one submission).

gnomAD v4.1: 5 of 1,206,194 alleles (0.00041%); highest among the groups gnomAD compares: South Asian, 0.0018%; no homozygotes.

Submission:

GeneDx
Classification: Uncertain significance. Last evaluated: 2024-12-27. Review status: criteria provided, single submitter. Criteria: GeneDx Variant Classification Process June 2021. Collection method: clinical testing. Allele origin: germline. Affected: yes.
Comment: In silico analysis supports that this missense variant has a deleterious effect on protein structure/function; Has not been previously published as pathogenic or benign to our knowledge

NM_001291415.2(KDM6A):c.3743A>G (p.Asn1248Ser)

Gene: KDM6A (lysine demethylase 6A; plus strand). Cytogenetic location: Xp11.3.
Variant type: single nucleotide variant.
Coding change: c.3743A>G on transcript NM_001291415.2 (MANE Select); coding-DNA position 3743, A replaced by G.
Protein change: p.Asn1248Ser; replaces asparagine 1248 with serine.
Molecular consequence: missense variant. On other transcripts: non-coding transcript variant (1).
Genome position (GRCh38, 1-based): chrX:45,089,781, A>G. VCF-style: chrX-45089781-A-G. GRCh37 (hg19) VCF-style: chrX-44949026-A-G.
Other names: c.3608A>G, p.Asn1203Ser (NM_001291416.2, NM_001419811.1); c.3452A>G, p.Asn1151Ser (NM_001291417.2); c.3350A>G, p.Asn1117Ser (NM_001291418.2, NM_001419815.1); c.2699A>G, p.Asn900Ser (NM_001291421.2); c.3485A>G, p.Asn1162Ser (NM_001410742.1, NM_001419814.1); c.3743A>G, p.Asn1248Ser (NM_001419809.1); c.3641A>G, p.Asn1214Ser (NM_001419810.1, NM_001419813.1); c.3587A>G, p.Asn1196Ser (NM_001419812.1, NM_021140.4); short protein forms N1117S, N1151S, N1162S, N1196S, N1203S, N1214S, N1248S, N900S.
Identifiers: ClinVar variation 3907966 (VCV003907966.1).